The following is an entry in ClinVar:

ClinVar aggregate classification (germline): Uncertain significance (1 of 4 stars; one submission).

Submission:

Women's Health and Genetics/Laboratory Corporation of America, LabCorp
Classification: Uncertain significance. Last evaluated: 2024-11-08. Review status: criteria provided, single submitter. Criteria: LabCorp Variant Classification Summary - May 2015. Collection method: clinical testing. Allele origin: germline.
Comment: Variant summary: CHST6 c.148C>A (p.Arg50Ser) results in a non-conservative amino acid change located in the Sulfotransferase domain (IPR000863) of the encoded protein sequence. Five of five in-silico tools predict a damaging effect of the variant on protein function. The variant was absent in 247080 control chromosomes. c.148C>A has been reported in the literature in a homozygous individual affected with Macular Corneal Dystrophy (El-Ashry_2010). These data indicate that the variant may be associated with disease. To our knowledge, no experimental evidence demonstrating an impact on protein function has been reported. The following publication have been ascertained in the context of this evaluation (PMID: 19734134). No submitters have cited clinical-significance assessments for this variant to ClinVar. Based on the evidence outlined above, the variant was classified as VUS-possibly pathogenic.

Literature cited by the submitters: PubMed 19734134.

NM_021615.5(CHST6):c.148C>A (p.Arg50Ser)

Gene: CHST6 (carbohydrate sulfotransferase 6; minus strand). Cytogenetic location: 16q23.1.
Variant type: single nucleotide variant.
Coding change: c.148C>A on transcript NM_021615.5 (MANE Select); coding-DNA position 148, C replaced by A.
Protein change: p.Arg50Ser; replaces arginine 50 with serine.
Molecular consequence: missense variant.
Genome position (GRCh38, 1-based): chr16:75,479,681, G>T on the plus strand (C>A on the coding strand, the complement: CHST6 is on the minus strand). VCF-style: chr16-75479681-G-T. GRCh37 (hg19) VCF-style: chr16-75513579-G-T.
Other names: short protein forms R50S.
Identifiers: ClinVar variation 3629756 (VCV003629756.1).